The following is an entry in ClinVar:

NM_021930.6(RINT1):c.1433G>A (p.Cys478Tyr)

Gene: RINT1 (RAD50 interactor 1; plus strand). Cytogenetic location: 7q22.3.
Variant type: single nucleotide variant.
Coding change: c.1433G>A on transcript NM_021930.6 (MANE Select); coding-DNA position 1433, G replaced by A.
Protein change: p.Cys478Tyr; replaces cysteine 478 with tyrosine.
Molecular consequence: missense variant. On other transcripts: non-coding transcript variant (1).
Genome position (GRCh38, 1-based): chr7:105,551,669, G>A. VCF-style: chr7-105551669-G-A. GRCh37 (hg19) VCF-style: chr7-105192116-G-A.
Other names: c.1199G>A, p.Cys400Tyr (NM_001346599.2); c.410G>A, p.Cys137Tyr (NM_001346600.2, NM_001346603.2); c.509G>A, p.Cys170Tyr (NM_001346601.2); short protein forms C137Y, C170Y, C400Y, C478Y.
Identifiers: ClinVar variation 3227603 (VCV003227603.1), dbSNP rs377454711, ClinGen allele CA368810366.

ClinVar aggregate classification (germline): Uncertain significance (1 of 4 stars; one submission).

Submission:

Ambry Genetics
Classification: Uncertain significance. Last evaluated: 2023-12-10. Review status: criteria provided, single submitter. Criteria: Ambry Variant Classification Scheme 2023. Collection method: clinical testing. Allele origin: germline.
Comment: The p.C478Y variant (also known as c.1433G>A), located in coding exon 10 of the RINT1 gene, results from a G to A substitution at nucleotide position 1433. The cysteine at codon 478 is replaced by tyrosine, an amino acid with highly dissimilar properties. This amino acid position is conserved. In addition, this alteration is predicted to be deleterious by in silico analysis. Since supporting evidence is limited at this time, the clinical significance of this alteration remains unclear.